The following is an entry in ClinVar:

NM_000222.3(KIT):c.446A>G (p.Lys149Arg)

Gene: KIT (KIT proto-oncogene, receptor tyrosine kinase; plus strand). Cytogenetic location: 4q12.
Variant type: single nucleotide variant.
Coding change: c.446A>G on transcript NM_000222.3 (MANE Select); coding-DNA position 446, A replaced by G.
Protein change: p.Lys149Arg; replaces lysine 149 with arginine.
Molecular consequence: missense variant.
Genome position (GRCh38, 1-based): chr4:54,698,392, A>G. VCF-style: chr4-54698392-A-G. GRCh37 (hg19) VCF-style: chr4-55564558-A-G.
Other names: c.446A>G, p.Lys149Arg (NM_001093772.2, NM_001385284.1, NM_001385285.1 and 4 more transcripts); short protein forms K149R.
Identifiers: ClinVar variation 528627 (VCV000528627.14), dbSNP rs1237279460, ClinGen allele CA356897604.

ClinVar aggregate classification (germline): Uncertain significance. Review status: criteria provided, multiple submitters, no conflicts (2 of 4 stars). 2 submissions from 2 submitters: Uncertain significance (2). Last evaluated 2025-11-23.

Conditions:
Hereditary cancer-predisposing syndrome. Also called: Tumor predisposition; Hereditary neoplastic syndrome; Hereditary Cancer Syndrome; Neoplastic Syndromes, Hereditary. Identifiers: Orphanet 140162, MedGen C0027672, MeSH D009386, MONDO:0015356.
Gastrointestinal stromal tumor. Also called: Gastrointestinal stroma tumor; Gastrointestinal stromal tumor, somatic. Identifiers: Orphanet 44890, MedGen C0238198, MeSH D046152, MONDO:0011719, OMIM 606764, HP:0100723.

Allele frequency attached by ClinVar (database versions not stated): gnomAD exomes below 0.00001; TOPMed 0.00001.
gnomAD v4.1: 1 of 1,614,144 alleles (0.000062%); highest among the groups gnomAD compares: Non-Finnish European, 0.000085%; no homozygotes.

Submissions (2):

Labcorp Genetics (formerly Invitae), Labcorp
Classification: Uncertain significance for Gastrointestinal stromal tumor. Last evaluated: 2025-11-23. Review status: criteria provided, single submitter. Criteria: Invitae Variant Classification Sherloc (09022015). Collection method: clinical testing. Allele origin: germline.
Comment: This sequence change replaces lysine, which is basic and polar, with arginine, which is basic and polar, at codon 149 of the KIT protein (p.Lys149Arg). This variant is not present in population databases (gnomAD no frequency). This variant has not been reported in the literature in individuals affected with KIT-related conditions. ClinVar contains an entry for this variant (Variation ID: 528627). An algorithm developed to predict the effect of missense changes on protein structure and function outputs the following: PolyPhen-2: "Benign". The arginine amino acid residue is found in multiple mammalian species, which suggests that this missense change does not adversely affect protein function. In summary, the available evidence is currently insufficient to determine the role of this variant in disease. Therefore, it has been classified as a Variant of Uncertain Significance.

Ambry Genetics
Classification: Uncertain significance for Hereditary cancer-predisposing syndrome. Last evaluated: 2023-12-19. Review status: criteria provided, single submitter. Criteria: Ambry Variant Classification Scheme 2023. Collection method: clinical testing. Allele origin: germline.
Comment: The p.K149R variant (also known as c.446A>G), located in coding exon 3 of the KIT gene, results from an A to G substitution at nucleotide position 446. The lysine at codon 149 is replaced by arginine, an amino acid with highly similar properties. This amino acid position is poorly conserved in available vertebrate species. In addition, this alteration is predicted to be tolerated by in silico analysis. Since supporting evidence is limited at this time, the clinical significance of this alteration remains unclear.